The following is an entry in ClinVar:

ClinVar aggregate classification (germline): Uncertain significance (1 of 4 stars; one submission).

Conditions:
Pitt-Hopkins-like syndrome 2 (PTHSL2). Identifiers: Orphanet 221150, Orphanet 600663, MedGen C3280479, MONDO:0013690, OMIM 614325.

Submission:

Labcorp Genetics (formerly Invitae), Labcorp
Classification: Uncertain significance for Pitt-Hopkins-like syndrome 2. Last evaluated: 2022-05-03. Review status: criteria provided, single submitter. Criteria: Invitae Variant Classification Sherloc (09022015). Collection method: clinical testing. Allele origin: germline.
Comment: Algorithms developed to predict the effect of missense changes on protein structure and function (SIFT, PolyPhen-2, Align-GVGD) all suggest that this variant is likely to be tolerated. In summary, the available evidence is currently insufficient to determine the role of this variant in disease. Therefore, it has been classified as a Variant of Uncertain Significance. This variant has not been reported in the literature in individuals affected with NRXN1-related conditions. This sequence change replaces alanine, which is neutral and non-polar, with serine, which is neutral and polar, at codon 113 of the NRXN1 protein (p.Ala113Ser). This variant is not present in population databases (gnomAD no frequency).

NM_001330078.2(NRXN1):c.337G>T (p.Ala113Ser)

Gene: NRXN1 (neurexin 1; minus strand). Cytogenetic location: 2p16.3.
Variant type: single nucleotide variant.
Coding change: c.337G>T on transcript NM_001330078.2 (MANE Select); coding-DNA position 337, G replaced by T.
Protein change: p.Ala113Ser; replaces alanine 113 with serine.
Molecular consequence: missense variant.
Genome position (GRCh38, 1-based): chr2:51,027,937, C>A on the plus strand (G>T on the coding strand, the complement: NRXN1 is on the minus strand). VCF-style: chr2-51027937-C-A. GRCh37 (hg19) VCF-style: chr2-51255075-C-A.
Other names: c.337G>T, p.Ala113Ser (NM_001135659.3, NM_001330077.2, NM_001330079.2 and 15 more transcripts); short protein forms A113S.
Identifiers: ClinVar variation 2166383 (VCV002166383.4), dbSNP rs1670840956, ClinGen allele CA346824215.